The following is an entry in ClinVar:

ClinVar aggregate classification (germline): Pathogenic (1 of 4 stars; one submission).

Conditions:
Baller-Gerold syndrome (BGS). Also called: CRANIOSYNOSTOSIS WITH RADIAL DEFECTS. Identifiers: Orphanet 1225, MedGen C0265308, MONDO:0009039, OMIM 218600.

Allele frequency attached by ClinVar (database versions not stated): gnomAD 0.00001.

Submission:

Labcorp Genetics (formerly Invitae), Labcorp
Classification: Pathogenic for Baller-Gerold syndrome. Last evaluated: 2021-03-17. Review status: criteria provided, single submitter. Criteria: Invitae Variant Classification Sherloc (09022015). Collection method: clinical testing. Allele origin: germline.
Comment: For these reasons, this variant has been classified as Pathogenic. This variant has not been reported in the literature in individuals with RECQL4-related conditions. This variant is not present in population databases (ExAC no frequency). This sequence change creates a premature translational stop signal (p.Ala587Glyfs*103) in the RECQL4 gene. It is expected to result in an absent or disrupted protein product. Loss-of-function variants in RECQL4 are known to be pathogenic (PMID: 12734318, 12952869).

Literature cited by the submitters: PubMed 12734318; PubMed 12952869.

NM_004260.4(RECQL4):c.1760del (p.Ala587fs)

Gene: RECQL4 (RecQ like helicase 4; minus strand). Cytogenetic location: 8q24.3.
Variant type: Deletion.
Coding change: c.1760del on transcript NM_004260.4 (MANE Select); coding-DNA position 1760, one base deleted (C; older notation c.1760delC).
Protein change: p.Ala587fs; shifts the reading frame from alanine 587.
Molecular consequence: frameshift variant.
Genome position (GRCh38, 1-based): chr8:144,514,307, G deleted on the plus strand (C on the coding strand, the reverse complement: RECQL4 is on the minus strand). VCF-style (leftmost placement, unchanged base first): chr8-144514306-CG-C. GRCh37 (hg19) VCF-style: chr8-145739690-CG-C.
Other names: short protein forms A587fs.
Identifiers: ClinVar variation 1456800 (VCV001456800.6), dbSNP rs1827833554, ClinGen allele CA1120280575.